The following is an entry in ClinVar:

ClinVar aggregate classification (germline): Pathogenic (1 of 4 stars; one submission).

Conditions:
Diamond-Blackfan anemia 8 (DBA8). Also called: RPS7-Related Diamond-Blackfan Anemia. Identifiers: Orphanet 124, MedGen C2675511, MONDO:0012939, OMIM 612563.

Submission:

Labcorp Genetics (formerly Invitae), Labcorp
Classification: Pathogenic for Diamond-Blackfan anemia 8. Last evaluated: 2023-12-09. Review status: criteria provided, single submitter. Criteria: Invitae Variant Classification Sherloc (09022015). Collection method: clinical testing. Allele origin: germline.
Comment: This variant occurs in a non-coding region of the RPS7 gene. It does not change the encoded amino acid sequence of the RPS7 protein. It affects a nucleotide within the consensus splice site. This variant is not present in population databases (gnomAD no frequency). Disruption of this splice site has been observed in individual(s) with Diamond-Blackfan anemia (PMID: 25946618). In at least one individual the variant was observed to be de novo. It has also been observed to segregate with disease in related individuals. Variants that disrupt the consensus splice site are a relatively common cause of aberrant splicing (PMID: 17576681, 9536098). Algorithms developed to predict the effect of sequence changes on RNA splicing suggest that this variant may disrupt the consensus splice site. For these reasons, this variant has been classified as Pathogenic.

Literature cited by the submitters: PubMed 25946618; PubMed 17576681; PubMed 9536098.

NM_001011.4(RPS7):c.-19+2T>A

Gene: RPS7 (ribosomal protein S7; plus strand). Cytogenetic location: 2p25.3.
Variant type: single nucleotide variant.
Coding change: c.-19+2T>A on transcript NM_001011.4 (MANE Select); the canonical splice donor site of the intron after 19 bases upstream of the start codon, T replaced by A.
Molecular consequence: splice donor variant.
Genome position (GRCh38, 1-based): chr2:3,575,352, T>A. VCF-style: chr2-3575352-T-A. GRCh37 (hg19) VCF-style: chr2-3622942-T-A.
Identifiers: ClinVar variation 2761151 (VCV002761151.3), dbSNP rs2528176273, ClinGen allele CA2697547793.
Genomic context (GRCh38, chr2:3,575,352, plus strand): 5'-CCGGATTTTGACGTGCTCTCGCGAGATTTGGGTCTCTTCCTAAGCCGGCGCTCGGCAAGG[T>A]AGGTTGGCGGCCTGCTCTCCGACAGAACTTTTCTTCTTGGGTTGAGGAAAACGCCTTTTG-3'